The following is an entry in ClinVar:

ClinVar aggregate classification (germline): Uncertain significance. Review status: criteria provided, multiple submitters, no conflicts (2 of 4 stars). 2 submissions from 2 submitters: Uncertain significance (2). Last evaluated 2025-10-29.

Conditions:
Inborn genetic diseases. Identifiers: MedGen C0950123, MeSH D030342.

Allele frequency attached by ClinVar (database versions not stated): ExAC 0.00009; TOPMed 0.00011; gnomAD exomes 0.00017; gnomAD 0.00009; ESP Exome Variant Server 0.00031.
gnomAD v4.1: 259 of 1,613,176 alleles (0.016%); highest among the groups gnomAD compares: Non-Finnish European, 0.021%; no homozygotes.

Submissions (2):

Labcorp Genetics (formerly Invitae), Labcorp
Classification: Uncertain significance. Last evaluated: 2025-10-29. Review status: criteria provided, single submitter. Criteria: Invitae Variant Classification Sherloc (09022015). Collection method: clinical testing. Allele origin: germline.
Comment: This sequence change replaces arginine, which is basic and polar, with glutamine, which is neutral and polar, at codon 1495 of the LRP6 protein (p.Arg1495Gln). This variant is present in population databases (rs149558764, gnomAD 0.01%). This variant has not been reported in the literature in individuals affected with LRP6-related conditions. ClinVar contains an entry for this variant (Variation ID: 2374736). An algorithm developed to predict the effect of missense changes on protein structure and function (PolyPhen-2) suggests that this variant is likely to be disruptive. In summary, the available evidence is currently insufficient to determine the role of this variant in disease. Therefore, it has been classified as a Variant of Uncertain Significance.

Ambry Genetics
Classification: Uncertain significance for Inborn genetic diseases. Last evaluated: 2025-08-20. Review status: criteria provided, single submitter. Criteria: Ambry Variant Classification Scheme 2023. Collection method: clinical testing. Allele origin: germline.

NM_002336.3(LRP6):c.4484G>A (p.Arg1495Gln)

Gene: LRP6 (LDL receptor related protein 6; minus strand). Cytogenetic location: 12p13.2.
Variant type: single nucleotide variant.
Coding change: c.4484G>A on transcript NM_002336.3 (MANE Select); coding-DNA position 4484, G replaced by A.
Protein change: p.Arg1495Gln; replaces arginine 1495 with glutamine.
Molecular consequence: missense variant.
Genome position (GRCh38, 1-based): chr12:12,124,628, C>T on the plus strand (G>A on the coding strand, the complement: LRP6 is on the minus strand). VCF-style: chr12-12124628-C-T. GRCh37 (hg19) VCF-style: chr12-12277562-C-T.
Other names: c.4577G>A, p.Arg1526Gln (NM_001414244.1); c.4484G>A, p.Arg1495Gln (NM_001414245.1, NM_001414248.1, NM_001414249.1 and 1 more transcripts); c.4349G>A, p.Arg1450Gln (NM_001414246.1); c.4286G>A, p.Arg1429Gln (NM_001414247.1); c.4121G>A, p.Arg1374Gln (NM_001414251.1); c.4031G>A, p.Arg1344Gln (NM_001414252.1, NM_001414253.1, NM_001414254.1); c.3977G>A, p.Arg1326Gln (NM_001414255.1); short protein forms R1344Q, R1495Q, R1374Q, R1326Q, R1429Q, R1450Q, R1526Q.
Identifiers: ClinVar variation 2374736 (VCV002374736.5), dbSNP rs149558764, ClinGen allele CA6454932.